The following is an entry in ClinVar:

ClinVar aggregate classification (germline): Uncertain significance. Review status: criteria provided, multiple submitters, no conflicts (2 of 4 stars). 3 submissions from 3 submitters: Uncertain significance (3). Last evaluated 2022-08-23.

Conditions:
Hereditary cancer-predisposing syndrome. Also called: Tumor predisposition; Hereditary neoplastic syndrome; Neoplastic Syndromes, Hereditary; Hereditary Cancer Syndrome. Identifiers: Orphanet 140162, MedGen C0027672, MeSH D009386, MONDO:0015356.
Tumor predisposition syndrome 3 (TPDS3). Also called: Glioma susceptibility 9; Melanoma, cutaneous malignant, susceptibility to, 10; LONG TELOMERE SYNDROME, POT1-RELATED; POT1 Tumor Predisposition. Identifiers: Orphanet 618, MedGen C4014476, MONDO:0014368, OMIM 615848.

Allele frequency attached by ClinVar (database versions not stated): gnomAD exomes below 0.00001.
gnomAD v4.1: 1 of 1,598,216 alleles (0.000063%); highest among the groups gnomAD compares: Non-Finnish European, 0.000086%; no homozygotes.

Submissions (3):

Labcorp Genetics (formerly Invitae), Labcorp
Classification: Uncertain significance for Tumor predisposition syndrome 3. Last evaluated: 2022-08-23. Review status: criteria provided, single submitter. Criteria: Invitae Variant Classification Sherloc (09022015). Collection method: clinical testing. Allele origin: germline.
Comment: Algorithms developed to predict the effect of missense changes on protein structure and function (SIFT, PolyPhen-2, Align-GVGD) all suggest that this variant is likely to be disruptive. ClinVar contains an entry for this variant (Variation ID: 1022476). This variant has not been reported in the literature in individuals affected with POT1-related conditions. The frequency data for this variant in the population databases is considered unreliable, as metrics indicate poor data quality at this position in the gnomAD database. This sequence change replaces tyrosine, which is neutral and polar, with cysteine, which is neutral and slightly polar, at codon 501 of the POT1 protein (p.Tyr501Cys). In summary, the available evidence is currently insufficient to determine the role of this variant in disease. Therefore, it has been classified as a Variant of Uncertain Significance. Algorithms developed to predict the effect of sequence changes on RNA splicing suggest that this variant may disrupt the consensus splice site.

CeGaT Center for Human Genetics Tuebingen
Classification: Uncertain significance. Last evaluated: 2022-05-01. Review status: criteria provided, single submitter. Criteria: CeGaT Center For Human Genetics Tuebingen Variant Classification Criteria Version 2. Collection method: clinical testing. Allele origin: germline. Affected: yes. Observed: 1 variant allele.
Comment: POT1: PM2, PP3

Ambry Genetics
Classification: Uncertain significance for Hereditary cancer-predisposing syndrome. Last evaluated: 2022-04-06. Review status: criteria provided, single submitter. Criteria: Ambry Variant Classification Scheme 2023. Collection method: clinical testing. Allele origin: germline.
Comment: The p.Y501C variant (also known as c.1502A>G), located in coding exon 11 of the POT1 gene, results from an A to G substitution at nucleotide position 1502. The tyrosine at codon 501 is replaced by cysteine, an amino acid with highly dissimilar properties. This amino acid position is highly conserved in available vertebrate species. In addition, this alteration is predicted to be deleterious by in silico analysis. In silico splice site analysis predicts that this alteration may weaken the native splice donor site and will result in the creation or strengthening of a novel splice donor site; however, direct evidence is insufficient at this time (Ambry internal data). Since supporting evidence is limited at this time, the clinical significance of this alteration remains unclear.

NM_015450.3(POT1):c.1502A>G (p.Tyr501Cys)

Gene: POT1 (protection of telomeres 1; minus strand). Cytogenetic location: 7q31.33.
Variant type: single nucleotide variant.
Coding change: c.1502A>G on transcript NM_015450.3 (MANE Select); coding-DNA position 1502, A replaced by G.
Protein change: p.Tyr501Cys; replaces tyrosine 501 with cysteine.
Molecular consequence: missense variant. On other transcripts: non-coding transcript variant (3).
Genome position (GRCh38, 1-based): chr7:124,835,282, T>C on the plus strand (A>G on the coding strand, the complement: POT1 is on the minus strand). VCF-style: chr7-124835282-T-C. GRCh37 (hg19) VCF-style: chr7-124475336-T-C.
Other names: c.1109A>G, p.Tyr370Cys (NM_001042594.2); short protein forms Y370C, Y501C.
Identifiers: ClinVar variation 1022476 (VCV001022476.35), dbSNP rs1226322093, ClinGen allele CA369065372.